The following is an entry in ClinVar:

NM_032043.3(BRIP1):c.837G>T (p.Arg279Ser)

Gene: BRIP1 (BRCA1 interacting DNA helicase 1; minus strand). Cytogenetic location: 17q23.2.
Variant type: single nucleotide variant.
Coding change: c.837G>T on transcript NM_032043.3 (MANE Select); coding-DNA position 837, G replaced by T.
Protein change: p.Arg279Ser; replaces arginine 279 with serine.
Molecular consequence: missense variant.
Genome position (GRCh38, 1-based): chr17:61,808,548, C>A on the plus strand (G>T on the coding strand, the complement: BRIP1 is on the minus strand). VCF-style: chr17-61808548-C-A. GRCh37 (hg19) VCF-style: chr17-59885909-C-A.
Other names: short protein forms R279S.
Identifiers: ClinVar variation 491480 (VCV000491480.17), dbSNP rs759584091, ClinGen allele CA8690845.

ClinVar aggregate classification (germline): Uncertain significance. Review status: criteria provided, multiple submitters, no conflicts (2 of 4 stars). 2 submissions from 2 submitters: Uncertain significance (2). Last evaluated 2023-12-04.

Conditions:
Fanconi anemia complementation group J. Also called: BRIP1-Related Fanconi Anemia. Identifiers: Orphanet 84, MedGen C1836860, MONDO:0012187, OMIM 609054.
Familial cancer of breast. Also called: BREAST CANCER, FAMILIAL; hereditary breast carcinoma; Hereditary breast cancer. Identifiers: Orphanet 227535, MedGen C0346153, MONDO:0016419, OMIM 114480. Disease mechanism: loss of function.
Hereditary cancer-predisposing syndrome. Also called: Tumor predisposition; Neoplastic Syndromes, Hereditary; Hereditary Cancer Syndrome; Hereditary neoplastic syndrome. Identifiers: Orphanet 140162, MedGen C0027672, MeSH D009386, MONDO:0015356.

Allele frequency attached by ClinVar (database versions not stated): gnomAD exomes below 0.00001; ExAC 0.00001.
gnomAD v4.1: 1 of 1,613,500 alleles (0.000062%); highest among the groups gnomAD compares: Non-Finnish European, 0.000085%; no homozygotes.

Submissions (2):

Color Diagnostics, LLC DBA Color Health
Classification: Uncertain significance for Hereditary cancer-predisposing syndrome. Last evaluated: 2023-12-04. Review status: criteria provided, single submitter. Criteria: ACMG Guidelines, 2015. Collection method: clinical testing. Allele origin: germline.
Comment: This missense variant replaces arginine with serine at codon 279 of the BRIP1 protein. Computational prediction suggests that this variant may have deleterious impact on protein structure and function (internally defined REVEL score threshold >= 0.7, PMID: 27666373). To our knowledge, functional studies have not been reported for this variant. This variant has not been reported in individuals affected with BRIP1-related disorders in the literature. This variant has been identified in 1/250968 chromosomes in the general population by the Genome Aggregation Database (gnomAD). The available evidence is insufficient to determine the role of this variant in disease conclusively. Therefore, this variant is classified as a Variant of Uncertain Significance.

Labcorp Genetics (formerly Invitae), Labcorp
Classification: Uncertain significance for Familial cancer of breast; Fanconi anemia complementation group J. Last evaluated: 2019-10-15. Review status: criteria provided, single submitter. Criteria: Invitae Variant Classification Sherloc (09022015). Collection method: clinical testing. Allele origin: germline.
Comment: This sequence change replaces arginine with serine at codon 279 of the BRIP1 protein (p.Arg279Ser). The arginine residue is highly conserved and there is a moderate physicochemical difference between arginine and serine. This variant is present in population databases (rs759584091, ExAC 0.001%). This variant has not been reported in the literature in individuals with BRIP1-related disease. Algorithms developed to predict the effect of missense changes on protein structure and function (SIFT, PolyPhen-2, Align-GVGD) all suggest that this variant is likely to be disruptive, but these predictions have not been confirmed by published functional studies and their clinical significance is uncertain. In summary, the available evidence is currently insufficient to determine the role of this variant in disease. Therefore, it has been classified as a Variant of Uncertain Significance.